The following is an entry in ClinVar:

NM_006019.4(TCIRG1):c.2352C>T (p.Thr784=)

Gene: TCIRG1 (T cell immune regulator 1, ATPase H+ transporting V0 subunit a3; plus strand). Cytogenetic location: 11q13.2.
Variant type: single nucleotide variant.
Coding change: c.2352C>T on transcript NM_006019.4 (MANE Select); coding-DNA position 2352, C replaced by T.
Protein change: p.Thr784=; no amino-acid change (threonine 784 retained).
Molecular consequence: synonymous variant.
Genome position (GRCh38, 1-based): chr11:68,050,602, C>T. VCF-style: chr11-68050602-C-T. GRCh37 (hg19) VCF-style: chr11-67818069-C-T.
Other names: c.1458C>T, p.Thr486= (NM_001351059.2); c.1704C>T, p.Thr568= (NM_006053.4).
Identifiers: ClinVar variation 798085 (VCV000798085.11), dbSNP rs747997327, ClinGen allele CA6147511.

ClinVar aggregate classification (germline): Likely benign. Review status: criteria provided, multiple submitters, no conflicts (2 of 4 stars). 2 submissions from 2 submitters: Likely benign (2). Last evaluated 2025-08-08.

Conditions:
TCIRG1-related disorder. Also called: TCIRG1-related condition.

Allele frequency attached by ClinVar (database versions not stated): ExAC 0.00001; gnomAD exomes 0.00001; TOPMed 0.00001.

Submissions (2):

PreventionGenetics, part of Exact Sciences
Classification: Likely benign for TCIRG1-related condition. Last evaluated: 2025-08-08. Review status: criteria provided, single submitter. Criteria: ACMG Guidelines, 2015. Collection method: clinical testing. Allele origin: germline.
Comment: This variant is classified as likely benign based on ACMG/AMP sequence variant interpretation guidelines (Richards et al. 2015 PMID: 25741868, with internal and published modifications).

Labcorp Genetics (formerly Invitae), Labcorp
Classification: Likely benign. Last evaluated: 2025-05-04. Review status: criteria provided, single submitter. Criteria: Invitae Variant Classification Sherloc (09022015). Collection method: clinical testing. Allele origin: germline.